The following is an entry in ClinVar:

ClinVar aggregate classification (germline): Benign. Review status: criteria provided, multiple submitters, no conflicts (2 of 4 stars). 3 submissions from 3 submitters: Benign (2). 1 of the submissions does not count toward it. Last evaluated 2018-07-31.

Allele frequency attached by ClinVar (database versions not stated): gnomAD exomes 0.08614 and 0.12784; ExAC 0.14891; ESP Exome Variant Server 0.16325; gnomAD 0.16773 and 0.16966; TOPMed 0.18018; 1000 Genomes Project 30x 0.20846; 1000 Genomes Project 0.21046.
gnomAD v4.1: 145,992 of 1,536,924 alleles (9.5%); highest among the groups gnomAD compares: African/African-American, 35%; 11,072 homozygotes.

Submissions (9):

GeneDx
Classification: Benign. Last evaluated: 2018-07-31. Review status: criteria provided, single submitter. Criteria: GeneDx Variant Classification Process June 2021. Collection method: clinical testing. Allele origin: germline. Affected: yes.

Breakthrough Genomics
Classification: Benign. Review status: criteria provided, single submitter. Criteria: ACMG Guidelines, 2015. Collection method: not provided. Allele origin: germline. Inheritance: Autosomal recessive inheritance. Affected: yes.

Dr. Peter K. Rogan Lab, Western University
No classification provided (evidence only). Condition: Malignant lymphoma, large B-cell, diffuse. Review status: no classification provided. Collection method: in vitro. Allele origin: not applicable. Functional consequence: retained intron. Not counted in ClinVar's aggregate classification.

Dr. Peter K. Rogan Lab, Western University
No classification provided (evidence only). Condition: Cholangiocarcinoma. Review status: no classification provided. Collection method: in vitro. Allele origin: not applicable. Functional consequence: retained intron. Not counted in ClinVar's aggregate classification.

Dr. Peter K. Rogan Lab, Western University
No classification provided (evidence only). Condition: Cholangiocarcinoma. Review status: no classification provided. Collection method: in vitro. Allele origin: not applicable. Functional consequence: retained intron. Not counted in ClinVar's aggregate classification.

Dr. Peter K. Rogan Lab, Western University
No classification provided (evidence only). Condition: Cholangiocarcinoma. Review status: no classification provided. Collection method: in vitro. Allele origin: not applicable. Functional consequence: retained intron. Not counted in ClinVar's aggregate classification.

Dr. Peter K. Rogan Lab, Western University
No classification provided (evidence only). Condition: Uterine carcinosarcoma. Review status: no classification provided. Collection method: in vitro. Allele origin: not applicable. Functional consequence: retained intron. Not counted in ClinVar's aggregate classification.

Dr. Peter K. Rogan Lab, Western University
No classification provided (evidence only). Condition: Uterine carcinosarcoma. Review status: no classification provided. Collection method: in vitro. Allele origin: not applicable. Functional consequence: retained intron. Not counted in ClinVar's aggregate classification.

Genetic Services Laboratory, University of Chicago
Classification: Likely benign. Review status: no assertion criteria provided. Collection method: clinical testing. Allele origin: germline. Inheritance: Autosomal recessive inheritance. Not counted in ClinVar's aggregate classification.
Comment: Likely benign based on allele frequency in 1000 Genomes Project or ESP global frequency and its presence in a patient with a rare or unrelated disease phenotype. NOT Sanger confirmed

NM_018249.6(CDK5RAP2):c.1483-29T>G

Gene: CDK5RAP2 (CDK5 regulatory subunit associated protein 2; minus strand). Cytogenetic location: 9q33.2.
Variant type: single nucleotide variant.
Coding change: c.1483-29T>G on transcript NM_018249.6 (MANE Select); 29 bases into the intron before coding-DNA position 1483, T replaced by G.
Molecular consequence: intron variant.
Genome position (GRCh38, 1-based): chr9:120,487,466, A>C on the plus strand (T>G on the coding strand, the complement: CDK5RAP2 is on the minus strand). VCF-style: chr9-120487466-A-C. GRCh37 (hg19) VCF-style: chr9-123249744-A-C.
Other names: NC_000009.11:g.123249744A>C; c.1483-29T>G (NM_001272039.2, NM_001011649.3).
Identifiers: ClinVar variation 158132 (VCV000158132.10), dbSNP rs2490594, ClinGen allele CA171562.